The following is an entry in ClinVar:

ClinVar aggregate classification (germline): Uncertain significance (1 of 4 stars; one submission).

Conditions:
Multiple endocrine neoplasia, type 1 (MEN1). Also called: MEA I; MEN I; WERMER SYNDROME; Endocrine adenomatosis multiple; MEN 1. Identifiers: Orphanet 652, MedGen C0025267, MeSH D018761, MONDO:0007540, OMIM 131100.

Submission:

Labcorp Genetics (formerly Invitae), Labcorp
Classification: Uncertain significance for Multiple endocrine neoplasia, type 1. Last evaluated: 2021-04-17. Review status: criteria provided, single submitter. Criteria: Invitae Variant Classification Sherloc (09022015). Collection method: clinical testing. Allele origin: germline.
Comment: In summary, the available evidence is currently insufficient to determine the role of this variant in disease. Therefore, it has been classified as a Variant of Uncertain Significance. Algorithms developed to predict the effect of sequence changes on RNA splicing suggest that this variant may create or strengthen a splice site, but this prediction has not been confirmed by published transcriptional studies. Advanced modeling of protein sequence and biophysical properties (such as structural, functional, and spatial information, amino acid conservation, physicochemical variation, residue mobility, and thermodynamic stability) performed at Invitae indicates that this missense variant is expected to disrupt MEN1 protein function. This variant has not been reported in the literature in individuals with MEN1-related conditions. ClinVar contains an entry for this variant (Variation ID: 836112). This variant is not present in population databases (ExAC no frequency). This sequence change replaces histidine with tyrosine at codon 433 of the MEN1 protein (p.His433Tyr). The histidine residue is highly conserved and there is a moderate physicochemical difference between histidine and tyrosine.

NM_001370259.2(MEN1):c.1297C>T (p.His433Tyr)

Gene: MEN1 (menin 1; minus strand). Cytogenetic location: 11q13.1.
Variant type: single nucleotide variant.
Coding change: c.1297C>T on transcript NM_001370259.2 (MANE Select); coding-DNA position 1297, C replaced by T.
Protein change: p.His433Tyr; replaces histidine 433 with tyrosine.
Molecular consequence: missense variant.
Genome position (GRCh38, 1-based): chr11:64,805,087, G>A on the plus strand (C>T on the coding strand, the complement: MEN1 is on the minus strand). VCF-style: chr11-64805087-G-A. GRCh37 (hg19) VCF-style: chr11-64572559-G-A.
Other names: c.1312C>T, p.His438Tyr (NM_000244.4, NM_130800.3, NM_130801.3 and 3 more transcripts); c.1423C>T, p.His475Tyr (NM_001370251.2); c.1297C>T, p.His433Tyr (NM_001370260.2, NM_001370261.2, NM_130799.3); c.1192C>T, p.His398Tyr (NM_001370262.2, NM_001370263.2); short protein forms H433Y, H475Y, H398Y, H438Y.
Identifiers: ClinVar variation 836112 (VCV000836112.9), dbSNP rs1941611706, ClinGen allele CA381180254.
Genomic context (GRCh38, chr11:64,805,087, plus strand): 5'-CCCTCACCTGTCCCTCAAAACGGCCTAGGGACTGCACAAGAAAGGTGGCCCAGCCCACAT[G>A]CAGCACAGGCGTGGGACTGCCCTCCTCCCATTTGCAGATGCCGTCGTAGAATCGCAGCAG-3'
Protein context (NP_001357188.2, residues 423-443): WEEGSPTPVL[His433Tyr]VGWATFLVQS